The following is an entry in ClinVar:

ClinVar aggregate classification (germline): Pathogenic (1 of 4 stars; one submission).

Conditions:
Breast-ovarian cancer, familial, susceptibility to, 2 (BROVCA2). Also called: BRCA2 Hereditary Breast and Ovarian Cancer. Identifiers: Orphanet 145, MedGen C2675520, MONDO:0012933, OMIM 612555. Disease mechanism: loss of function.

Submission:

Myriad Genetics, Inc.
Classification: Pathogenic for Breast-ovarian cancer, familial, susceptibility to, 2. Last evaluated: 2023-06-27. Review status: criteria provided, single submitter. Criteria: Myriad Autosomal Dominant, Autosomal Recessive and X-Linked Classification Criteria (2023). Collection method: clinical testing. Allele origin: unknown.
Comment: This variant is considered pathogenic. This variant creates a frameshift predicted to result in premature protein truncation.

NM_000059.4(BRCA2):c.9523dup (p.Glu3175fs)

Gene: BRCA2 (BRCA2 DNA repair associated; plus strand). Cytogenetic location: 13q13.1.
Variant type: Duplication.
Coding change: c.9523dup on transcript NM_000059.4 (MANE Select); coding-DNA position 9523, one base duplicated (G; older notation c.9523dupG).
Protein change: p.Glu3175fs; shifts the reading frame from glutamic acid 3175.
Molecular consequence: frameshift variant. On other transcripts: non-coding transcript variant (1).
Genome position (GRCh38, 1-based): chr13:32,396,919, G duplicated. VCF-style (leftmost placement, unchanged base first): chr13-32396918-T-TG. GRCh37 (hg19) VCF-style: chr13-32971055-T-TG.
Other names: c.9427dup, p.Glu3143fs (NM_001406719.1); c.9472dup, p.Glu3158fs (NM_001406720.1); c.4591dup, p.Glu1531fs (NM_001406721.1); c.3106dup, p.Glu1036fs (NM_001406722.1); short protein forms E1036fs, E1531fs, E3143fs, E3158fs, E3175fs.
Identifiers: ClinVar variation 2583857 (VCV002583857.2), dbSNP rs2548563661, ClinGen allele CA2582341817.